The following is an entry in ClinVar:

NM_201384.3(PLEC):c.6163G>A (p.Ala2055Thr)

Gene: PLEC (plectin; minus strand). Cytogenetic location: 8q24.3.
Variant type: single nucleotide variant.
Coding change: c.6163G>A on transcript NM_201384.3 (MANE Select); coding-DNA position 6163, G replaced by A.
Protein change: p.Ala2055Thr; replaces alanine 2055 with threonine.
Molecular consequence: missense variant.
Genome position (GRCh38, 1-based): chr8:143,923,766, C>T on the plus strand (G>A on the coding strand, the complement: PLEC is on the minus strand). VCF-style: chr8-143923766-C-T. GRCh37 (hg19) VCF-style: chr8-144997934-C-T.
Other names: c.6244G>A, p.Ala2082Thr (NM_000445.5); c.6121G>A, p.Ala2041Thr (NM_201378.4); c.6097G>A, p.Ala2033Thr (NM_201379.3); c.6574G>A, p.Ala2192Thr (NM_201380.4); c.6067G>A, p.Ala2023Thr (NM_201381.3); c.6163G>A, p.Ala2055Thr (NM_201382.4); c.6175G>A, p.Ala2059Thr (NM_201383.3); short protein forms A2033T, A2041T, A2055T, A2023T, A2192T, A2059T, A2082T.
Identifiers: ClinVar variation 2204473 (VCV002204473.4), dbSNP rs942658065, ClinGen allele CA187614984.

ClinVar aggregate classification (germline): Uncertain significance. Review status: criteria provided, multiple submitters, no conflicts (2 of 4 stars). 2 submissions from 2 submitters: Uncertain significance (2). Last evaluated 2024-11-02.

Conditions:
Epidermolysis bullosa simplex 5B, with muscular dystrophy (EBS5B). Also called: EPIDERMOLYSIS BULLOSA SIMPLEX AND LIMB-GIRDLE MUSCULAR DYSTROPHY; Epidermolysis bullosa simplex with muscular dystrophy. Identifiers: Orphanet 257, MedGen C2931072, MONDO:0009181, OMIM 226670.
Epidermolysis bullosa simplex 5C, with pyloric atresia (EBS5C). Also called: PLEC-Related Epidermolysis Bullosa with Pyloric Atresia; Epidermolysis bullosa simplex with pyloric atresia; PLEC1-Related Epidermolysis Bullosa with Pyloric Atresia. Identifiers: Orphanet 158684, MedGen C2677349, MONDO:0012807, OMIM 612138.
Autosomal recessive limb-girdle muscular dystrophy type 2Q (LGMDR17). Also called: MUSCULAR DYSTROPHY, LIMB-GIRDLE, AUTOSOMAL RECESSIVE 17. Identifiers: Orphanet 254361, MedGen C3150989, MONDO:0013390, OMIM 613723.
Epidermolysis bullosa simplex with nail dystrophy (EBS5D). Identifiers: MedGen C4225309, MONDO:0014661, OMIM 616487.
Epidermolysis bullosa simplex, Ogna type (EBS5A). Also called: Pidermolysis bullosa simplex 5A, Ogna type; EPIDERMOLYSIS BULLOSA SIMPLEX 5A, OGNA TYPE. Identifiers: Orphanet 79401, MedGen C0432317, MONDO:0007555, OMIM 131950.
Inborn genetic diseases. Identifiers: MedGen C0950123, MeSH D030342.

Allele frequency attached by ClinVar (database versions not stated): gnomAD 0.00001; gnomAD exomes 0.00001; TOPMed 0.00002.
gnomAD v4.1: 17 of 1,564,068 alleles (0.0011%); highest among the groups gnomAD compares: African/African-American, 0.0014%; no homozygotes.

Submissions (2):

Labcorp Genetics (formerly Invitae), Labcorp
Classification: Uncertain significance for Autosomal recessive limb-girdle muscular dystrophy type 2Q; Epidermolysis bullosa simplex, Ogna type; Epidermolysis bullosa simplex with nail dystrophy; Epidermolysis bullosa simplex 5C, with pyloric atresia; Epidermolysis bullosa simplex 5B, with muscular dystrophy. Last evaluated: 2024-11-02. Review status: criteria provided, single submitter. Criteria: Invitae Variant Classification Sherloc (09022015). Collection method: clinical testing. Allele origin: germline.
Comment: This sequence change replaces alanine, which is neutral and non-polar, with threonine, which is neutral and polar, at codon 2082 of the PLEC protein (p.Ala2082Thr). This variant is not present in population databases (gnomAD no frequency). This variant has not been reported in the literature in individuals affected with PLEC-related conditions. ClinVar contains an entry for this variant (Variation ID: 2204473). An algorithm developed to predict the effect of missense changes on protein structure and function (PolyPhen-2) suggests that this variant is likely to be tolerated. In summary, the available evidence is currently insufficient to determine the role of this variant in disease. Therefore, it has been classified as a Variant of Uncertain Significance.

Ambry Genetics
Classification: Uncertain significance for Inborn genetic diseases. Last evaluated: 2021-12-14. Review status: criteria provided, single submitter. Criteria: Ambry Variant Classification Scheme 2023. Collection method: clinical testing. Allele origin: germline.